The following is an entry in ClinVar:

ClinVar aggregate classification (germline): Uncertain significance (1 of 4 stars; one submission).

Conditions:
Dyskeratosis congenita, autosomal dominant 2. Identifiers: MedGen C3151443, MONDO:0013521, OMIM 613989.
Idiopathic Pulmonary Fibrosis. Also called: Idiopathic fibrosing alveolitis, chronic form; idiopathic fibrosing alveolitis. Identifiers: Orphanet 2032, MedGen C1800706, MeSH D054990, MONDO:0800504.

Allele frequency attached by ClinVar (database versions not stated): gnomAD exomes below 0.00001.

Submission:

Labcorp Genetics (formerly Invitae), Labcorp
Classification: Uncertain significance for Dyskeratosis congenita, autosomal dominant 2; Idiopathic Pulmonary Fibrosis. Last evaluated: 2017-12-25. Review status: criteria provided, single submitter. Criteria: Invitae Variant Classification Sherloc (09022015). Collection method: clinical testing. Allele origin: germline.
Comment: In summary, the available evidence is currently insufficient to determine the role of this variant in disease. Therefore, it has been classified as a Variant of Uncertain Significance. Algorithms developed to predict the effect of missense changes on protein structure and function (SIFT, PolyPhen-2, Align-GVGD) all suggest that this variant is likely to be tolerated, but these predictions have not been confirmed by published functional studies and their clinical significance is uncertain. This variant has not been reported in the literature in individuals with TERT-related disease. This variant is not present in population databases (ExAC no frequency). This sequence change replaces glycine with aspartic acid at codon 306 of the TERT protein (p.Gly306Asp). The glycine residue is weakly conserved and there is a moderate physicochemical difference between glycine and aspartic acid.

NM_198253.3(TERT):c.917G>A (p.Gly306Asp)

Gene: TERT (telomerase reverse transcriptase; minus strand). Cytogenetic location: 5p15.33.
Variant type: single nucleotide variant.
Coding change: c.917G>A on transcript NM_198253.3 (MANE Select); coding-DNA position 917, G replaced by A.
Protein change: p.Gly306Asp; replaces glycine 306 with aspartic acid.
Molecular consequence: missense variant. On other transcripts: non-coding transcript variant (2).
Genome position (GRCh38, 1-based): chr5:1,293,969, C>T on the plus strand (G>A on the coding strand, the complement: TERT is on the minus strand). VCF-style: chr5-1293969-C-T. GRCh37 (hg19) VCF-style: chr5-1294084-C-T.
Other names: c.917G>A, p.Gly306Asp (NM_001193376.3); short protein forms G306D.
Identifiers: ClinVar variation 539223 (VCV000539223.9), dbSNP rs1554042920, ClinGen allele CA359056154.